The following is an entry in ClinVar:

ClinVar aggregate classification (germline): Uncertain significance. Review status: criteria provided, multiple submitters, no conflicts (2 of 4 stars). 13 submissions from 12 submitters: Uncertain significance (13). Last evaluated 2026-03-13.

Conditions:
Inborn genetic diseases. Identifiers: MedGen C0950123, MeSH D030342.
POLG-related disorder. Also called: POLG-related condition; POLG-Related Disorders; POLG-Related Spectrum Disorders. Identifiers: MedGen C4763519.
Progressive sclerosing poliodystrophy (MTDPS4A). Also called: Mitochondrial DNA depletion syndrome 4A (Alpers type); Alpers Syndrome; NEURONAL DEGENERATION OF CHILDHOOD WITH LIVER DISEASE, PROGRESSIVE; ALPERS PROGRESSIVE INFANTILE POLIODYSTROPHY; ALPERS DIFFUSE DEGENERATION OF CEREBRAL GRAY MATTER WITH HEPATIC CIRRHOSIS; Alpers-Huttenlocher Syndrome. Identifiers: Orphanet 726, MedGen C0205710, MONDO:0008758, OMIM 203700.
Progressive external ophthalmoplegia with mitochondrial DNA deletions, autosomal dominant 1 (PEOA1). Also called: PROGRESSIVE EXTERNAL OPHTHALMOPLEGIA, AUTOSOMAL DOMINANT 1; Autosomal Dominant Progressive External Ophthalmoplegia (adPEO). Identifiers: MedGen C1834846, MONDO:0024528, OMIM 157640.
Progressive external ophthalmoplegia with mitochondrial DNA deletions, autosomal recessive 1 (PEOB1). Also called: Progressive external ophthalmoplegia, autosomal recessive 1; Autosomal Recessive Progressive External Ophthalmoplegia (arPEO). Identifiers: Orphanet 254886, MedGen C4225153, MONDO:0009783, OMIM 258450.
Mitochondrial DNA depletion syndrome 4b. Also called: Mitochondrial Neurogastrointestinal Encephalopathy Disease, POLG-Related; MNGIE, POLG-RELATED. Identifiers: Orphanet 298, MedGen C3150914, MONDO:0013350, OMIM 613662.
Sensory ataxic neuropathy, dysarthria, and ophthalmoparesis (SANDO). Also called: Epilepsy, progressive myoclonic, type 5; SENSORY ATAXIC NEUROPATHY WITH MITOCHONDRIAL DNA DELETIONS, AUTOSOMAL RECESSIVE; Ataxia Neuropathy Spectrum (ANS); Sensory ataxic neuropathy-dysarthria-ophthalmoparesis syndrome. Identifiers: Orphanet 70595, MedGen C1843851, MONDO:0011835, OMIM 607459.
Failure to thrive. Also called: Pediatric failure to thrive. Identifiers: MedGen C2315100, HP:0001508.
Mitochondrial DNA depletion syndrome 1. Also called: Mitochondrial DNA depletion syndrome 1 (MNGIE type); POLIP SYNDROME; POLYNEUROPATHY, OPHTHALMOPLEGIA, LEUKOENCEPHALOPATHY, AND INTESTINAL PSEUDOOBSTRUCTION; Mitochondrial neurogastrointestinal encephalomyopathy syndrome; Mitochondrial Neurogastrointestinal Encephalopathy Disease; MITOCHONDRIAL NEUROGASTROINTESTINAL ENCEPHALOPATHY SYNDROME, TYMP-RELATED. Identifiers: Orphanet 298, MedGen C4551995, MONDO:0011283, OMIM 603041.

Allele frequency attached by ClinVar (database versions not stated): gnomAD exomes 0.00009; TOPMed 0.00009; ExAC 0.00019.
gnomAD v4.1: 136 of 1,552,864 alleles (0.0088%); highest among the groups gnomAD compares: Middle Eastern, 0.033%; no homozygotes.

Submissions (13):

Women's Health and Genetics/Laboratory Corporation of America, LabCorp
Classification: Uncertain significance. Last evaluated: 2026-03-13. Review status: criteria provided, single submitter. Criteria: LabCorp Variant Classification Summary - May 2015. Collection method: clinical testing. Allele origin: germline.
Comment: Variant summary: POLG c.460G>A (p.Ala154Thr) results in a non-conservative amino acid change in the encoded protein sequence. Algorithms developed to predict the effect of missense changes on protein structure and function all suggest that this variant is likely to be disruptive. The variant allele was found at a frequency of 8.7e-05 in 161510 control chromosomes. This frequency is not significantly higher than estimated for disease-causing variants in POLG, allowing no conclusion about variant significance. To our knowledge, no occurrence of c.460G>A in individuals affected with POLG-related conditions and no experimental evidence demonstrating its impact on protein function have been reported. ClinVar contains an entry for this variant (Variation ID: 206578). Based on the evidence outlined above, the variant was classified as uncertain significance.

Labcorp Genetics (formerly Invitae), Labcorp
Classification: Uncertain significance for Progressive sclerosing poliodystrophy. Last evaluated: 2026-01-25. Review status: criteria provided, single submitter. Criteria: Invitae Variant Classification Sherloc (09022015). Collection method: clinical testing. Allele origin: germline.
Comment: This sequence change replaces alanine, which is neutral and non-polar, with threonine, which is neutral and polar, at codon 154 of the POLG protein (p.Ala154Thr). The frequency data for this variant in the population databases is considered unreliable, as metrics indicate poor data quality at this position in the gnomAD database. This variant has not been reported in the literature in individuals affected with POLG-related conditions. ClinVar contains an entry for this variant (Variation ID: 206578). Invitae Evidence Modeling of protein sequence and biophysical properties (such as structural, functional, and spatial information, amino acid conservation, physicochemical variation, residue mobility, and thermodynamic stability) indicates that this missense variant is expected to disrupt POLG protein function with a positive predictive value of 95%. In summary, the available evidence is currently insufficient to determine the role of this variant in disease. Therefore, it has been classified as a Variant of Uncertain Significance.

GeneDx
Classification: Uncertain significance. Last evaluated: 2025-10-09. Review status: criteria provided, single submitter. Criteria: GeneDx Variant Classification Process June 2021. Collection method: clinical testing. Allele origin: germline. Affected: yes.
Comment: Has not been previously published as pathogenic or benign in association with a primary mitochondrial disorder to our knowledge; In silico analysis suggests that this missense variant does not alter protein structure/function; This variant is associated with the following publications: (PMID: 26415585, 24150215)

Mayo Clinic Laboratories, Mayo Clinic
Classification: Uncertain significance. Last evaluated: 2025-08-14. Review status: criteria provided, single submitter. Criteria: ACMG Guidelines, 2015. Collection method: clinical testing. Allele origin: germline. Observed: 4 variant alleles.

PreventionGenetics, part of Exact Sciences
Classification: Uncertain significance for POLG-related condition. Last evaluated: 2025-08-04. Review status: criteria provided, single submitter. Criteria: ACMG Guidelines, 2015. Collection method: clinical testing. Allele origin: germline.
Comment: The POLG c.460G>A variant is predicted to result in the amino acid substitution p.Ala154Thr. To our knowledge, this variant has not been reported in the literature. This variant is reported in 0.018% of alleles in individuals of European (Non-Finnish) descent in gnomAD. At this time, the clinical significance of this variant is uncertain due to the absence of conclusive functional and genetic evidence.

Clinical Genetics Laboratory, Skane University Hospital Lund
Classification: Uncertain significance for Failure to thrive. Last evaluated: 2024-09-30. Review status: criteria provided, single submitter. Criteria: ACMG Guidelines, 2015. Collection method: clinical testing. Allele origin: germline. Affected: yes.
Comment: ACMG criteria used: PM2 (0 homozygous in gnomAD v4.1.0)

Ambry Genetics
Classification: Uncertain significance for Inborn genetic diseases. Last evaluated: 2024-09-06. Review status: criteria provided, single submitter. Criteria: Ambry Variant Classification Scheme 2023. Collection method: clinical testing. Allele origin: germline.

Blueprint Genetics
Classification: Uncertain significance. Last evaluated: 2024-09-06. Review status: criteria provided, single submitter. Criteria: ACMG Guidelines, 2015. Collection method: clinical testing. Allele origin: germline.

Fulgent Genetics
Classification: Uncertain significance for Progressive external ophthalmoplegia with mitochondrial DNA deletions, autosomal dominant 1; Progressive sclerosing poliodystrophy; Progressive external ophthalmoplegia with mitochondrial DNA deletions, autosomal recessive 1; Sensory ataxic neuropathy, dysarthria, and ophthalmoparesis; Mitochondrial DNA depletion syndrome 4b. Last evaluated: 2024-06-06. Review status: criteria provided, single submitter. Criteria: ACMG Guidelines, 2015. Collection method: clinical testing. Allele origin: germline.

Athena Diagnostics
Classification: Uncertain significance. Last evaluated: 2019-07-23. Review status: criteria provided, single submitter. Criteria: Athena Diagnostics Criteria. Collection method: clinical testing. Allele origin: germline.

Wong Mito Lab, Molecular and Human Genetics, Baylor College of Medicine
Classification: Uncertain significance for Progressive sclerosing poliodystrophy. Last evaluated: 2018-10-01. Review status: criteria provided, single submitter. Criteria: ACMG Guidelines, 2015. Collection method: clinical testing. Allele origin: germline.
Comment: The NM_002693.2:c.460G>A (NP_002684.1:p.Ala154Thr) [GRCH38: NC_000015.10:g.89333295C>T] variant in POLG gene is interpretated to be a Uncertain Significance based on ACMG guidelines (PMID: 25741868). This variant meets the following evidence codes reported in the ACMG-guideline. BP4:Computational evidence/predictors indicate no impact on the POLG structure, function, or protein-protein interaction. Based on the evidence criteria codes applied, the variant is suggested to be Uncertain Significance.

Genomic Research Center, Shahid Beheshti University of Medical Sciences
Classification: Uncertain significance for Mitochondrial neurogastrointestinal encephalomyopathy. Last evaluated: 2018-03-05. Review status: criteria provided, single submitter. Criteria: ACMG Guidelines, 2015. Collection method: clinical testing. Allele origin: inherited. Affected: no. Observed: 1 variant allele.

Genomic Research Center, Shahid Beheshti University of Medical Sciences
Classification: Uncertain significance for Progressive external ophthalmoplegia with mitochondrial DNA deletions, autosomal dominant 1. Last evaluated: 2018-03-05. Review status: criteria provided, single submitter. Criteria: ACMG Guidelines, 2015. Collection method: clinical testing. Allele origin: inherited. Affected: no. Observed: 1 variant allele.

NM_002693.3(POLG):c.460G>A (p.Ala154Thr)

Genes: POLGARF (POLG alternative reading frame; minus strand), POLG (DNA polymerase gamma, catalytic subunit; minus strand). Cytogenetic location: 15q26.1.
Variant type: single nucleotide variant.
Coding change: c.460G>A on transcript NM_002693.3 (MANE Select); coding-DNA position 460, G replaced by A.
Protein change: p.Ala154Thr; replaces alanine 154 with threonine.
Molecular consequence: missense variant.
Genome position (GRCh38, 1-based): chr15:89,333,295, C>T on the plus strand (G>A on the coding strand, the complement: POLG is on the minus strand). VCF-style: chr15-89333295-C-T. GRCh37 (hg19) VCF-style: chr15-89876526-C-T.
Other names: p.Ala154Thr; c.460G>A, p.Ala154Thr (NM_001126131.2); short protein forms A154T.
Identifiers: ClinVar variation 206578 (VCV000206578.33), dbSNP rs753858440, ClinGen allele CA316800.